The following is an entry in ClinVar:

NM_018051.5(DYNC2I1):c.1048G>A (p.Glu350Lys)

Gene: DYNC2I1 (dynein 2 intermediate chain 1; plus strand). Cytogenetic location: 7q36.3.
Variant type: single nucleotide variant.
Coding change: c.1048G>A on transcript NM_018051.5 (MANE Select); coding-DNA position 1048, G replaced by A.
Protein change: p.Glu350Lys; replaces glutamic acid 350 with lysine.
Molecular consequence: missense variant. On other transcripts: 5 prime UTR variant (3).
Genome position (GRCh38, 1-based): chr7:158,891,322, G>A. VCF-style: chr7-158891322-G-A. GRCh37 (hg19) VCF-style: chr7-158684013-G-A.
Other names: c.910G>A, p.Glu304Lys (NM_001350914.2); c.475G>A, p.Glu159Lys (NM_001350915.2); c.-311G>A (NM_001350916.2); c.-319G>A (NM_001350917.2); c.-438G>A (NM_001350918.2); short protein forms E304K, E159K, E350K.
Identifiers: ClinVar variation 766914 (VCV000766914.12), dbSNP rs200061970, ClinGen allele CA4594503.
Genomic context (GRCh38, chr7:158,891,322, plus strand): 5'-TAGCATGGCCACGAGGAAGGCTCTTCTGTGTGGTGGAAGCTGGACCAGAGGCCGGGAGGC[G>A]AGGAAACCGTGGTAAGGAGAGTACGTCTTCTTATAGTTTGCAATCCTGTCCCAGCACAGA-3'
Protein context (NP_060521.4, residues 340-360): WWKLDQRPGG[Glu350Lys]ETVEIEKEET

ClinVar aggregate classification (germline): Conflicting classifications of pathogenicity. Review status: criteria provided, conflicting classifications (1 of 4 stars). 4 submissions from 4 submitters: Uncertain significance (1); Likely benign (2). 1 of the submissions does not count toward it. Last evaluated 2025-12-18.

Conditions:
DYNC2I1-related disorder. Also called: DYNC2I1-related condition.
Inborn genetic diseases. Identifiers: MedGen C0950123, MeSH D030342.
Short-rib thoracic dysplasia 8 with or without polydactyly (SRTD8). Also called: SHORT-RIB THORACIC DYSPLASIA 8 WITH POLYDACTYLY. Identifiers: Orphanet 93271, MedGen C3809691, MONDO:0014214, OMIM 615503.

Allele frequency attached by ClinVar (database versions not stated): gnomAD exomes 0.00025 and 0.00007; TOPMed 0.00086; ESP Exome Variant Server 0.00087; gnomAD 0.00090 and 0.00098; ExAC 0.00023.
gnomAD v4.1: 243 of 1,614,060 alleles (0.015%); highest among the groups gnomAD compares: African/African-American, 0.29%; 1 homozygote.

Submissions (4):

Labcorp Genetics (formerly Invitae), Labcorp
Classification: Likely benign for Short-rib thoracic dysplasia 8 with or without polydactyly. Last evaluated: 2025-12-18. Review status: criteria provided, single submitter. Criteria: Invitae Variant Classification Sherloc (09022015). Collection method: clinical testing. Allele origin: germline.

Ambry Genetics
Classification: Uncertain significance for Inborn genetic diseases. Last evaluated: 2022-11-08. Review status: criteria provided, single submitter. Criteria: Ambry Variant Classification Scheme 2023. Collection method: clinical testing. Allele origin: germline.

Breakthrough Genomics
Classification: Likely benign. Review status: criteria provided, single submitter. Criteria: ACMG Guidelines, 2015. Collection method: not provided. Allele origin: germline. Inheritance: Autosomal recessive inheritance. Affected: yes.

PreventionGenetics, part of Exact Sciences
Classification: Likely benign for DYNC2I1-related condition. Last evaluated: 2022-10-05. Review status: no assertion criteria provided. Collection method: clinical testing. Allele origin: germline. Not counted in ClinVar's aggregate classification.
Comment: This variant is classified as likely benign based on ACMG/AMP sequence variant interpretation guidelines (Richards et al. 2015 PMID: 25741868, with internal and published modifications).